The following is an entry in ClinVar:

NM_004100.5(EYA4):c.722C>T (p.Pro241Leu)

Gene: EYA4 (EYA transcriptional coactivator and phosphatase 4; plus strand). Cytogenetic location: 6q23.2.
Variant type: single nucleotide variant.
Coding change: c.722C>T on transcript NM_004100.5 (MANE Select); coding-DNA position 722, C replaced by T.
Protein change: p.Pro241Leu; replaces proline 241 with leucine.
Molecular consequence: missense variant.
Genome position (GRCh38, 1-based): chr6:133,462,762, C>T. VCF-style: chr6-133462762-C-T. GRCh37 (hg19) VCF-style: chr6-133783900-C-T.
Other names: c.560C>T, p.Pro187Leu (NM_001301012.2, NM_001370459.1); c.722C>T, p.Pro241Leu (NM_001301013.2, NM_172105.4); c.653C>T, p.Pro218Leu (NM_001370458.1, NM_172103.4); short protein forms P218L, P187L, P241L.
Identifiers: ClinVar variation 1757804 (VCV001757804.5), dbSNP rs969199817, ClinGen allele CA148049018.
Genomic context (GRCh38, chr6:133,462,762, plus strand): 5'-GTTACAGCCCAGGGTTCTCTACCCCACAGCCAGGCCAGACACCTTATTCTTACCAAATGC[C>T]AGGTAAGTAGCTACACATGAAACATGTTTTGGGAGAACTAATTCTTTGAGTGAGACTCAT-3'
Protein context (NP_004091.3, residues 231-251): PGQTPYSYQM[Pro241Leu]GSSFAPSSTI

ClinVar aggregate classification (germline): Uncertain significance. Review status: criteria provided, multiple submitters, no conflicts (2 of 4 stars). 2 submissions from 2 submitters: Uncertain significance (2). Last evaluated 2025-04-23.

Conditions:
Cardiovascular phenotype. Identifiers: MedGen CN230736.
Dilated cardiomyopathy 1J (CMD1J). Also called: CARDIOMYOPATHY, DILATED, WITH SENSORINEURAL HEARING LOSS, AUTOSOMAL DOMINANT. Identifiers: Orphanet 217622, MedGen C1854368, MONDO:0011541, OMIM 605362.

Allele frequency attached by ClinVar (database versions not stated): TOPMed below 0.00001; gnomAD exomes 0.00001.
gnomAD v4.1: 7 of 1,613,596 alleles (0.00043%); highest among the groups gnomAD compares: Admixed American, 0.0017%; no homozygotes.

Submissions (2):

Ambry Genetics
Classification: Uncertain significance for Cardiovascular phenotype. Last evaluated: 2025-04-23. Review status: criteria provided, single submitter. Criteria: Ambry Variant Classification Scheme 2023. Collection method: clinical testing. Allele origin: germline.
Comment: The p.P241L variant (also known as c.722C>T), located in coding exon 8 of the EYA4 gene, results from a C to T substitution at nucleotide position 722. The proline at codon 241 is replaced by leucine, an amino acid with similar properties. This amino acid position is conserved. In addition, this alteration is predicted to be deleterious by in silico analysis. Since supporting evidence is limited at this time, the clinical significance of this alteration remains unclear.

Labcorp Genetics (formerly Invitae), Labcorp
Classification: Uncertain significance for Dilated cardiomyopathy 1J. Last evaluated: 2024-02-01. Review status: criteria provided, single submitter. Criteria: Invitae Variant Classification Sherloc (09022015). Collection method: clinical testing. Allele origin: germline.
Comment: This sequence change replaces proline, which is neutral and non-polar, with leucine, which is neutral and non-polar, at codon 241 of the EYA4 protein (p.Pro241Leu). This variant is present in population databases (no rsID available, gnomAD 0.006%). This variant has not been reported in the literature in individuals affected with EYA4-related conditions. ClinVar contains an entry for this variant (Variation ID: 1757804). An algorithm developed to predict the effect of missense changes on protein structure and function (PolyPhen-2) suggests that this variant is likely to be disruptive. In summary, the available evidence is currently insufficient to determine the role of this variant in disease. Therefore, it has been classified as a Variant of Uncertain Significance.